The following is an entry in ClinVar:

NM_001098816.3(TENM4):c.2721G>A (p.Thr907=)

Gene: TENM4 (teneurin transmembrane protein 4; minus strand). Cytogenetic location: 11q14.1.
Variant type: single nucleotide variant.
Coding change: c.2721G>A on transcript NM_001098816.3 (MANE Select); coding-DNA position 2721, G replaced by A.
Protein change: p.Thr907=; no amino-acid change (threonine 907 retained).
Molecular consequence: synonymous variant.
Genome position (GRCh38, 1-based): chr11:78,756,840, C>T on the plus strand (G>A on the coding strand, the complement: TENM4 is on the minus strand). VCF-style: chr11-78756840-C-T. GRCh37 (hg19) VCF-style: chr11-78467885-C-T.
Identifiers: ClinVar variation 2642222 (VCV002642222.24), dbSNP rs374810304, ClinGen allele CA6207230.

ClinVar aggregate classification (germline): Likely benign (1 of 4 stars; one submission).

Allele frequency attached by ClinVar (database versions not stated): gnomAD 0.00002; gnomAD exomes 0.00002; TOPMed 0.00002; ExAC 0.00006; 1000 Genomes Project 30x 0.00031; 1000 Genomes Project 0.00040.
gnomAD v4.1: 39 of 1,613,862 alleles (0.0024%); highest among the groups gnomAD compares: South Asian, 0.0055%; 1 homozygote.

Submission:

CeGaT Center for Human Genetics Tuebingen
Classification: Likely benign. Last evaluated: 2022-03-01. Review status: criteria provided, single submitter. Criteria: CeGaT Center For Human Genetics Tuebingen Variant Classification Criteria Version 2. Collection method: clinical testing. Allele origin: germline. Affected: yes. Observed: 1 variant allele.
Comment: TENM4: BP4, BP7